The following is an entry in ClinVar:

ClinVar aggregate classification (germline): Uncertain significance. Review status: criteria provided, multiple submitters, no conflicts (2 of 4 stars). 2 submissions from 2 submitters: Uncertain significance (2). Last evaluated 2023-07-12.

Allele frequency attached by ClinVar (database versions not stated): gnomAD exomes 0.00001.

Submissions (2):

Labcorp Genetics (formerly Invitae), Labcorp
Classification: Uncertain significance. Last evaluated: 2023-07-12. Review status: criteria provided, single submitter. Criteria: Invitae Variant Classification Sherloc (09022015). Collection method: clinical testing. Allele origin: germline.
Comment: This sequence change replaces arginine, which is basic and polar, with histidine, which is basic and polar, at codon 381 of the CFB protein (p.Arg381His). This variant is present in population databases (no rsID available, gnomAD 0.006%). This variant has not been reported in the literature in individuals affected with CFB-related conditions. Advanced modeling of protein sequence and biophysical properties (such as structural, functional, and spatial information, amino acid conservation, physicochemical variation, residue mobility, and thermodynamic stability) performed at Invitae indicates that this missense variant is not expected to disrupt CFB protein function. In summary, the available evidence is currently insufficient to determine the role of this variant in disease. Therefore, it has been classified as a Variant of Uncertain Significance.

Mayo Clinic Laboratories, Mayo Clinic
Classification: Uncertain significance. Last evaluated: 2022-05-20. Review status: criteria provided, single submitter. Criteria: ACMG Guidelines, 2015. Collection method: clinical testing. Allele origin: germline. Observed: 1 variant allele.

NM_001710.6(CFB):c.1142G>A (p.Arg381His)

Gene: CFB (complement factor B; plus strand). Cytogenetic location: 6p21.33.
Variant type: single nucleotide variant.
Coding change: c.1142G>A on transcript NM_001710.6 (MANE Select); coding-DNA position 1142, G replaced by A.
Protein change: p.Arg381His; replaces arginine 381 with histidine.
Molecular consequence: missense variant.
Genome position (GRCh38, 1-based): chr6:31,948,935, G>A. VCF-style: chr6-31948935-G-A. GRCh37 (hg19) VCF-style: chr6-31916712-G-A.
Other names: p.Arg381His; short protein forms R381H.
Identifiers: ClinVar variation 2682921 (VCV002682921.4), dbSNP rs1268600695, ClinGen allele CA363400737.
Genomic context (GRCh38, chr6:31,948,935, plus strand): 5'-CAGTGTACAGCATGATGAGCTGGCCAGATGACGTCCCTCCTGAAGGCTGGAACCGCACCC[G>A]CCATGTCATCATCCTCATGACTGATGGTCAGAAGGGACCTCTCTCCTGTCCCAGCCTCCC-3'
Protein context (NP_001701.2, residues 371-391): DVPPEGWNRT[Arg381His]HVIILMTDGL